The following is an entry in ClinVar:

NM_182961.4(SYNE1):c.14033C>T (p.Ser4678Phe)

Gene: SYNE1 (spectrin repeat containing nuclear envelope protein 1; minus strand). Cytogenetic location: 6q25.2.
Variant type: single nucleotide variant.
Coding change: c.14033C>T on transcript NM_182961.4 (MANE Select); coding-DNA position 14033, C replaced by T.
Protein change: p.Ser4678Phe; replaces serine 4678 with phenylalanine.
Molecular consequence: missense variant.
Genome position (GRCh38, 1-based): chr6:152,330,652, G>A on the plus strand (C>T on the coding strand, the complement: SYNE1 is on the minus strand). VCF-style: chr6-152330652-G-A. GRCh37 (hg19) VCF-style: chr6-152651787-G-A.
Other names: c.13820C>T, p.Ser4607Phe (NM_033071.5); short protein forms S4607F, S4678F.
Identifiers: ClinVar variation 905438 (VCV000905438.11), dbSNP rs753473819, ClinGen allele CA4056085.

ClinVar aggregate classification (germline): Conflicting classifications of pathogenicity. Review status: criteria provided, conflicting classifications (1 of 4 stars). 3 submissions from 2 submitters: Uncertain significance (2); Benign (1). Last evaluated 2018-02-01.

Conditions:
Emery-Dreifuss muscular dystrophy 4, autosomal dominant (EDMD4). Also called: EMERY-DREIFUSS MUSCULAR DYSTROPHY 4 WITH VARIABLE FEATURES. Identifiers: Orphanet 261, MedGen C2751807, MONDO:0013071, OMIM 612998.
Autosomal recessive ataxia, Beauce type. Also called: ATAXIA, RECESSIVE, OF BEAUCE; SYNE1 Deficiency; SYNE1-Related Autosomal Recessive Cerebellar Ataxia; Spinocerebellar ataxia, autosomal recessive 8. Identifiers: Orphanet 88644, MedGen C1853116, MONDO:0012549, OMIM 610743.

Allele frequency attached by ClinVar (database versions not stated): gnomAD exomes 0.00001 and 0.00006; gnomAD 0.00003; TOPMed 0.00003; ExAC 0.00006.
gnomAD v4.1: 15 of 1,613,582 alleles (0.00093%); highest among the groups gnomAD compares: East Asian, 0.029%; no homozygotes.

Submissions (3):

Labcorp Genetics (formerly Invitae), Labcorp
Classification: Uncertain significance for Emery-Dreifuss muscular dystrophy 4, autosomal dominant; Autosomal recessive ataxia, Beauce type. Last evaluated: 2018-02-01. Review status: criteria provided, single submitter. Criteria: Invitae Variant Classification Sherloc (09022015). Collection method: clinical testing. Allele origin: germline.
Comment: This sequence change replaces serine with phenylalanine at codon 4607 of the SYNE1 protein (p.Ser4607Phe). The serine residue is highly conserved and there is a large physicochemical difference between serine and phenylalanine. This variant is present in population databases (rs753473819, ExAC 0.08%). This variant has not been reported in the literature in individuals with SYNE1-related disease. Algorithms developed to predict the effect of missense changes on protein structure and function (SIFT, PolyPhen-2, Align-GVGD) all suggest that this variant is likely to be disruptive, but these predictions have not been confirmed by published functional studies and their clinical significance is uncertain. In summary, the available evidence is currently insufficient to determine the role of this variant in disease. Therefore, it has been classified as a Variant of Uncertain Significance.

Illumina Laboratory Services, Illumina
Classification: Benign for Emery-Dreifuss muscular dystrophy 4, autosomal dominant. Last evaluated: 2018-01-12. Review status: criteria provided, single submitter. Criteria: ICSL Variant Classification Criteria 13 December 2019. Collection method: clinical testing. Allele origin: germline.
Comment: This variant was observed in the ICSL laboratory as part of a predisposition screen in an ostensibly healthy population. It had not been previously curated by ICSL or reported in the Human Gene Mutation Database (HGMD: prior to June 1st, 2018), and was therefore a candidate for classification through an automated scoring system. Utilizing variant allele frequency, disease prevalence and penetrance estimates, and inheritance mode, an automated score was calculated to assess if this variant is too frequent to cause the disease. Based on the score and internal cut-off values, a variant classified as benign is not then subjected to further curation. The score for this variant resulted in a classification of benign for this disease.

Illumina Laboratory Services, Illumina
Classification: Uncertain significance for Autosomal recessive ataxia, Beauce type. Last evaluated: 2018-01-12. Review status: criteria provided, single submitter. Criteria: ICSL Variant Classification Criteria 13 December 2019. Collection method: clinical testing. Allele origin: germline.